The following is an entry in ClinVar:

NM_170606.3(KMT2C):c.13493A>T (p.Asp4498Val)

Gene: KMT2C (lysine methyltransferase 2C; minus strand). Cytogenetic location: 7q36.1.
Variant type: single nucleotide variant.
Coding change: c.13493A>T on transcript NM_170606.3 (MANE Select); coding-DNA position 13493, A replaced by T.
Protein change: p.Asp4498Val; replaces aspartic acid 4498 with valine.
Molecular consequence: missense variant.
Genome position (GRCh38, 1-based): chr7:152,148,434, T>A on the plus strand (A>T on the coding strand, the complement: KMT2C is on the minus strand). VCF-style: chr7-152148434-T-A. GRCh37 (hg19) VCF-style: chr7-151845519-T-A.
Other names: short protein forms D4498V.
Identifiers: ClinVar variation 4886807 (VCV004886807.1).

ClinVar aggregate classification (germline): Uncertain significance (0 of 4 stars; one submission).

Submission:

Diagnostics Centre, Carl Von Ossietzky University Oldenburg
Classification: Uncertain significance. Last evaluated: 2026-01-15. Review status: no assertion criteria provided. Collection method: clinical testing. Allele origin: germline. Affected: yes. Observed: 1 variant allele.
Comment: The variant NM_170606.3(KMT2C):c.13493A>T p.(Asp4498Val) located in the exon 52 of the KMT2C gene results from a adenine-to-thymine substitution at nucleotide position c.13493. The aspartic acid at protein position 4498 is replaced by a valine. Missense variants in this gene or the affected region are a known disease mechanism and are rare in the general population. The affected protein region has significant levels of missense constrain. In silico tools predict a severe deleterious effect in the protein structure/function (REVEL score = 0.816). The variant has not previously been reported in ClinVar or in any publications known to us. In the general population, this variant is considered very rare, as it has not been reported in gnomAD. The variant is classified as very rare since it is absent in gnomAD v4.1.0. In summary, this variant is classified as a variant of uncertain significance.